The following is an entry in ClinVar:

NM_002098.6(GUCA1B):c.95G>A (p.Cys32Tyr)

Gene: GUCA1B (guanylate cyclase activator 1B; minus strand). Cytogenetic location: 6p21.1.
Variant type: single nucleotide variant.
Coding change: c.95G>A on transcript NM_002098.6 (MANE Select); coding-DNA position 95, G replaced by A.
Protein change: p.Cys32Tyr; replaces cysteine 32 with tyrosine.
Molecular consequence: missense variant.
Genome position (GRCh38, 1-based): chr6:42,194,726, C>T on the plus strand (G>A on the coding strand, the complement: GUCA1B is on the minus strand). VCF-style: chr6-42194726-C-T. GRCh37 (hg19) VCF-style: chr6-42162464-C-T.
Other names: short protein forms C32Y.
Identifiers: ClinVar variation 3679570 (VCV003679570.2).

ClinVar aggregate classification (germline): Uncertain significance (1 of 4 stars; one submission).

gnomAD v4.1: 14 of 1,612,754 alleles (0.00087%); highest among the groups gnomAD compares: Admixed American, 0.0017%; no homozygotes.

Submission:

Labcorp Genetics (formerly Invitae), Labcorp
Classification: Uncertain significance. Last evaluated: 2024-08-28. Review status: criteria provided, single submitter. Criteria: Invitae Variant Classification Sherloc (09022015). Collection method: clinical testing. Allele origin: germline.
Comment: This sequence change replaces cysteine, which is neutral and slightly polar, with tyrosine, which is neutral and polar, at codon 32 of the GUCA1B protein (p.Cys32Tyr). This variant is present in population databases (rs140794161, gnomAD 0.0009%). This variant has not been reported in the literature in individuals affected with GUCA1B-related conditions. An algorithm developed to predict the effect of missense changes on protein structure and function (PolyPhen-2) suggests that this variant is likely to be disruptive. In summary, the available evidence is currently insufficient to determine the role of this variant in disease. Therefore, it has been classified as a Variant of Uncertain Significance.